The following is an entry in ClinVar:

NM_020975.6(RET):c.1472A>G (p.Gln491Arg)

Gene: RET (ret proto-oncogene; plus strand). Cytogenetic location: 10q11.21.
Variant type: single nucleotide variant.
Coding change: c.1472A>G on transcript NM_020975.6 (MANE Select); coding-DNA position 1472, A replaced by G.
Protein change: p.Gln491Arg; replaces glutamine 491 with arginine.
Molecular consequence: missense variant. On other transcripts: intron variant (15).
Genome position (GRCh38, 1-based): chr10:43,111,415, A>G. VCF-style: chr10-43111415-A-G. GRCh37 (hg19) VCF-style: chr10-43606863-A-G.
Other names: c.1472A>G, p.Gln491Arg (NM_000323.2, NM_001406743.1, NM_001406744.1 and 6 more transcripts); c.710A>G, p.Gln237Arg (NM_001355216.2); c.1343A>G, p.Gln448Arg (NM_001406761.1, NM_001406762.1, NM_001406764.1 and 1 more transcripts); c.1184A>G, p.Gln395Arg (NM_001406766.1, NM_001406767.1, NM_001406770.1); c.1076A>G, p.Gln359Arg (NM_001406769.1, NM_001406772.1); c.626-684A>G (NM_001406782.1, NM_001406780.1, NM_001406779.1 and 3 more transcripts); c.497-684A>G (NM_001406786.1, NM_001406783.1); c.338-684A>G (NM_001406790.1, NM_001406788.1, NM_001406789.1 and 1 more transcripts); and 5 more; short protein forms Q161R, Q237R, Q249R, Q316R, Q345R, Q359R, Q395R, Q448R.
Identifiers: ClinVar variation 3069961 (VCV003069961.3), dbSNP rs2132774998, ClinGen allele CA376549808.

ClinVar aggregate classification (germline): Uncertain significance. Review status: criteria provided, multiple submitters, no conflicts (2 of 4 stars). 3 submissions from 3 submitters: Uncertain significance (3). Last evaluated 2026-01-15.

Conditions:
RET-related disorder. Also called: RET-related condition; RET-related disease; RET-related disorders.
Multiple endocrine neoplasia, type 2 (MEN2). Identifiers: Orphanet 653, MedGen C4048306, MONDO:0019003. Disease mechanism: gain of function.

Submissions (3):

PreventionGenetics, part of Exact Sciences
Classification: Uncertain significance for RET-related condition. Last evaluated: 2026-01-15. Review status: criteria provided, single submitter. Criteria: ACMG Guidelines, 2015. Collection method: clinical testing. Allele origin: germline.
Comment: The RET c.1472A>G variant is predicted to result in the amino acid substitution p.Gln491Arg. To our knowledge, this variant has not been reported in the literature or in a large population database (gnomAD), indicating this variant is rare. At this time, the clinical significance of this variant is uncertain due to the absence of conclusive functional and genetic evidence.

Labcorp Genetics (formerly Invitae), Labcorp
Classification: Uncertain significance for Multiple endocrine neoplasia, type 2. Last evaluated: 2024-08-18. Review status: criteria provided, single submitter. Criteria: Invitae Variant Classification Sherloc (09022015). Collection method: clinical testing. Allele origin: germline.
Comment: This sequence change replaces glutamine, which is neutral and polar, with arginine, which is basic and polar, at codon 491 of the RET protein (p.Gln491Arg). This variant is not present in population databases (gnomAD no frequency). This variant has not been reported in the literature in individuals affected with RET-related conditions. An algorithm developed to predict the effect of missense changes on protein structure and function (PolyPhen-2) suggests that this variant¬†is likely to be tolerated. In summary, the available evidence is currently insufficient to determine the role of this variant in disease. Therefore, it has been classified as a Variant of Uncertain Significance.

All of Us Research Program, National Institutes of Health
Classification: Uncertain significance for Multiple endocrine neoplasia, type 2. Last evaluated: 2023-03-28. Review status: criteria provided, single submitter. Criteria: ACMG Guidelines, 2015. Collection method: clinical testing. Allele origin: germline. Inheritance: Autosomal dominant inheritance. Observed: 1 variant allele, 1 heterozygote.
Comment: This study involves interpretation of variants in research participants for the purpose of population health screening. Participant phenotype was not available at the time of variant classification. Additional details can be found in publication PMID: 35346344, PMCID: PMC8962531